The following is an entry in ClinVar:

NM_015046.7(SETX):c.6356T>C (p.Val2119Ala)

Gene: SETX (senataxin; minus strand). Cytogenetic location: 9q34.13.
Variant type: single nucleotide variant.
Coding change: c.6356T>C on transcript NM_015046.7 (MANE Select); coding-DNA position 6356, T replaced by C.
Protein change: p.Val2119Ala; replaces valine 2119 with alanine.
Molecular consequence: missense variant.
Genome position (GRCh38, 1-based): chr9:132,286,463, A>G on the plus strand (T>C on the coding strand, the complement: SETX is on the minus strand). VCF-style: chr9-132286463-A-G. GRCh37 (hg19) VCF-style: chr9-135161850-A-G.
Other names: c.6356T>C, p.Val2119Ala (NM_001351527.2, NM_001351528.2); short protein forms V2119A.
Identifiers: ClinVar variation 913919 (VCV000913919.12), dbSNP rs781741533, ClinGen allele CA5296748.

ClinVar aggregate classification (germline): Conflicting classifications of pathogenicity. Review status: criteria provided, conflicting classifications (1 of 4 stars). 7 submissions from 5 submitters: Uncertain significance (6); Benign (1). Last evaluated 2024-12-12.

Conditions:
Inborn genetic diseases. Identifiers: MedGen C0950123, MeSH D030342.
Amyotrophic lateral sclerosis type 4 (ALS4). Also called: AMYOTROPHIC LATERAL SCLEROSIS 4, JUVENILE; NEURONOPATHY, DISTAL HEREDITARY MOTOR, WITH PYRAMIDAL FEATURES. Identifiers: Orphanet 357043, MedGen C1865409, MONDO:0011223, OMIM 602433.
Spinocerebellar ataxia, autosomal recessive, with axonal neuropathy 2 (SCAN2). Also called: ATAXIA-OCULOMOTOR APRAXIA 2; Ataxia-ocular apraxia-2; Ataxia with Oculomotor Apraxia; Ataxia with Oculomotor Apraxia Type 2. Identifiers: Orphanet 64753, MedGen C1853761, MONDO:0018996, OMIM 606002.

Allele frequency attached by ClinVar (database versions not stated): TOPMed 0.00001; gnomAD 0.00002; ExAC 0.00005; gnomAD exomes 0.00005 and 0.00006.
gnomAD v4.1: 74 of 1,613,622 alleles (0.0046%); highest among the groups gnomAD compares: Non-Finnish European, 0.0059%; no homozygotes.

Submissions (7):

Labcorp Genetics (formerly Invitae), Labcorp
Classification: Benign for Amyotrophic lateral sclerosis type 4; Spinocerebellar ataxia, autosomal recessive, with axonal neuropathy 2. Last evaluated: 2024-12-12. Review status: criteria provided, single submitter. Criteria: Invitae Variant Classification Sherloc (09022015). Collection method: clinical testing. Allele origin: germline.

Athena Diagnostics
Classification: Uncertain significance. Last evaluated: 2023-12-13. Review status: criteria provided, single submitter. Criteria: Athena Diagnostics Criteria. Collection method: clinical testing. Allele origin: unknown.
Comment: Available data are insufficient to determine the clinical significance of the variant at this time. The frequency of this variant in the general population is uninformative in assessment of its pathogenicity. Computational tools predict that this variant is not damaging.

Genome-Nilou Lab
Classification: Uncertain significance for Spinocerebellar ataxia, autosomal recessive, with axonal neuropathy 2. Last evaluated: 2023-02-08. Review status: criteria provided, single submitter. Criteria: ACMG Guidelines, 2015. Collection method: clinical testing. Allele origin: germline.

Genome-Nilou Lab
Classification: Uncertain significance for Amyotrophic lateral sclerosis type 4. Last evaluated: 2023-02-08. Review status: criteria provided, single submitter. Criteria: ACMG Guidelines, 2015. Collection method: clinical testing. Allele origin: germline.

Ambry Genetics
Classification: Uncertain significance for Inborn genetic diseases. Last evaluated: 2022-11-07. Review status: criteria provided, single submitter. Criteria: Ambry Variant Classification Scheme 2023. Collection method: clinical testing. Allele origin: germline.
Comment: Unlikely to be causative of SETX-related juvenile amyotrophic lateral sclerosis (AD) Based on insufficient or conflicting evidence, the clinical significance of this alteration remains unclear.

Illumina Laboratory Services, Illumina
Classification: Uncertain significance for Amyotrophic lateral sclerosis type 4. Last evaluated: 2018-01-12. Review status: criteria provided, single submitter. Criteria: ICSL Variant Classification Criteria 13 December 2019. Collection method: clinical testing. Allele origin: germline.

Illumina Laboratory Services, Illumina
Classification: Uncertain significance for Spinocerebellar ataxia, autosomal recessive, with axonal neuropathy 2. Last evaluated: 2018-01-12. Review status: criteria provided, single submitter. Criteria: ICSL Variant Classification Criteria 13 December 2019. Collection method: clinical testing. Allele origin: germline.